The following is an entry in ClinVar:

ClinVar aggregate classification (germline): Conflicting classifications of pathogenicity. Review status: criteria provided, conflicting classifications (1 of 4 stars). 2 submissions from 2 submitters: Pathogenic (1); Uncertain significance (1). Last evaluated 2019-08-27.

Conditions:
Brown-Vialetto-van Laere syndrome 1. Also called: BROWN-VIALETTO-VAN LAERE SYNDROME 1, MILD; BULBAR PALSY, PROGRESSIVE, WITH SENSORINEURAL DEAFNESS; PONTOBULBAR PALSY WITH DEAFNESS. Identifiers: Orphanet 572550, Orphanet 97229, MedGen C0796274, MONDO:0024537, OMIM 211530.

Allele frequency attached by ClinVar (database versions not stated): gnomAD exomes below 0.00001 and 0.00001; ExAC 0.00001; gnomAD 0.00001; TOPMed 0.00002.
gnomAD v4.1: 4 of 1,613,156 alleles (0.00025%); highest among the groups gnomAD compares: Non-Finnish European, 0.00034%; no homozygotes.

Submissions (2):

Laboratory for Molecular Medicine, Mass General Brigham Personalized Medicine
Classification: Uncertain significance. Last evaluated: 2019-08-27. Review status: criteria provided, single submitter. Criteria: LMM Criteria. Collection method: clinical testing. Allele origin: germline. Observed: 1 variant allele.
Comment: The p.Arg212Cys with SLC52A3 has been previously reported in 3 homozygous individuals of Arab decent with suspected Brown-Vialetto-Van-Laere syndrome; however, it was not clear if these individuals were related (Manole 2017). The variant has also been identified in 0.002% (2/111872) of European chromosomes by gnomAD. Computational prediction tools and conservation analyses suggest that this variant may not impact the protein. Of note, three mammals (opossum, Tasmanian devil, platypus) harbor a cysteine (Cys) at this position, suggesting that this change may be tolerated. In summary, the clinical significance of this variant is uncertain due to the presence of conflicting data. ACMG/AMP criteria applied: PM2, PM3_Supporting, BP4.

Department of Genetics, Sultan Qaboos University Hospital
Classification: Pathogenic for Brown-Vialetto-van Laere syndrome 1. Last evaluated: 2017-12-30. Review status: criteria provided, single submitter. Criteria: ACMG Guidelines, 2015. Collection method: curation. Allele origin: unknown. Affected: yes.

Literature cited by the submitters: PubMed 29053833 (cited by Laboratory for Molecular Medicine, Mass General Brigham Personalized Medicine).

NM_033409.4(SLC52A3):c.634C>T (p.Arg212Cys)

Gene: SLC52A3 (solute carrier family 52 member 3; minus strand). Cytogenetic location: 20p13.
Variant type: single nucleotide variant.
Coding change: c.634C>T on transcript NM_033409.4 (MANE Select); coding-DNA position 634, C replaced by T.
Protein change: p.Arg212Cys; replaces arginine 212 with cysteine.
Molecular consequence: missense variant.
Genome position (GRCh38, 1-based): chr20:763,937, G>A on the plus strand (C>T on the coding strand, the complement: SLC52A3 is on the minus strand). VCF-style: chr20-763937-G-A. GRCh37 (hg19) VCF-style: chr20-744581-G-A.
Other names: c.634C>T, p.Arg212Cys (NM_001370085.1, NM_001370086.1); short protein forms R212C.
Identifiers: ClinVar variation 210032 (VCV000210032.7), dbSNP rs778479139, ClinGen allele CA347001.
Genomic context (GRCh38, chr20:763,937, plus strand): 5'-CCATCATGATGGATAGGAGGAGGAAGAAGACCAGGGGTGAGAAGTGGGCGGGAAGGTAGC[G>A]GCTCTCCAGGTGGGACAAGGGTGCTTCCATTCCGGGGAGGGCGGACACCAAAGCTCTGGG-3'
Protein context (NP_212134.3, residues 202-222): MEAPLSHLES[Arg212Cys]YLPAHFSPLV